The following is an entry in ClinVar:

NM_001018113.3(FANCB):c.2098T>C (p.Phe700Leu)

Gene: FANCB (FA complementation group B; minus strand). Cytogenetic location: Xp22.2.
Variant type: single nucleotide variant.
Coding change: c.2098T>C on transcript NM_001018113.3 (MANE Select); coding-DNA position 2098, T replaced by C.
Protein change: p.Phe700Leu; replaces phenylalanine 700 with leucine.
Molecular consequence: missense variant.
Genome position (GRCh38, 1-based): chrX:14,844,570, A>G on the plus strand (T>C on the coding strand, the complement: FANCB is on the minus strand). VCF-style: chrX-14844570-A-G. GRCh37 (hg19) VCF-style: chrX-14862692-A-G.
Other names: c.2098T>C, p.Phe700Leu (NM_001324162.2, NM_152633.4); short protein forms F700L.
Identifiers: ClinVar variation 456181 (VCV000456181.9), dbSNP rs1232355920, ClinGen allele CA412438404.

ClinVar aggregate classification (germline): Uncertain significance. Review status: criteria provided, single submitter (1 of 4 stars). 2 submissions from 2 submitters: Uncertain significance (1). 1 of the submissions does not count toward it. Last evaluated 2020-09-01.

Conditions:
Fanconi anemia (FA). Also called: Fanconi's anemia. Identifiers: Orphanet 84, MedGen C0015625, MeSH D005199, MONDO:0019391.

Allele frequency attached by ClinVar (database versions not stated): gnomAD exomes below 0.00001 and 0.00001.
gnomAD v4.1: 1 of 1,209,947 alleles (0.000083%); highest among the groups gnomAD compares: Non-Finnish European, 0.00011%; no homozygotes.

Submissions (2):

Labcorp Genetics (formerly Invitae), Labcorp
Classification: Uncertain significance for Fanconi anemia. Last evaluated: 2020-09-01. Review status: criteria provided, single submitter. Criteria: Invitae Variant Classification Sherloc (09022015). Collection method: clinical testing. Allele origin: germline.
Comment: This variant is not present in population databases (ExAC no frequency). This sequence change replaces phenylalanine with leucine at codon 700 of the FANCB protein (p.Phe700Leu). The phenylalanine residue is weakly conserved and there is a small physicochemical difference between phenylalanine and leucine. In summary, the available evidence is currently insufficient to determine the role of this variant in disease. Therefore, it has been classified as a Variant of Uncertain Significance. Algorithms developed to predict the effect of missense changes on protein structure and function output the following: SIFT: "Tolerated"; PolyPhen-2: "Benign"; Align-GVGD: "Class C0". The leucine amino acid residue is found in multiple mammalian species, suggesting that this missense change does not adversely affect protein function. These predictions have not been confirmed by published functional studies and their clinical significance is uncertain. This variant has not been reported in the literature in individuals with FANCB-related disease. ClinVar contains an entry for this variant (Variation ID: 456181).

Department of Pathology and Laboratory Medicine, Sinai Health System
Classification: Uncertain significance. Review status: no assertion criteria provided. Collection method: clinical testing. Allele origin: unknown. Affected: yes. Study: The Canadian Open Genetics Repository (COGR). Not counted in ClinVar's aggregate classification.
Comment: The FANCB p.Phe700Leu variant was not identified in the literature nor was it identified in LOVD 3.0. The variant was identified in dbSNP (ID: rs1232355920) and ClinVar (classified as uncertain significance by Invitae). The variant was identified in control databases in 1 of 183306 chromosomes (1 hemizygous) at a frequency of 0.000005455 (Genome Aggregation Database March 6, 2019, v2.1.1). The variant was observed in the European (non-Finnish) population in 1 of 81804 chromosomes (freq: 0.000012), but was not observed in the African, Latino, Ashkenazi Jewish, East Asian, European (Finnish), Other, or South Asian populations. The p.Phe700 residue is not conserved in mammals and computational analyses (PolyPhen-2, SIFT, AlignGVGD, BLOSUM, MutationTaster) do not suggest a high likelihood of impact to the protein; however, this information is not predictive enough to rule out pathogenicity. The variant occurs outside of the splicing consensus sequence and in silico or computational prediction software programs (SpliceSiteFinder, MaxEntScan, NNSPLICE, GeneSplicer) do not predict a difference in splicing. In summary, based on the above information the clinical significance of this variant cannot be determined with certainty at this time. This variant is classified as a variant of uncertain significance.